The following is an entry in ClinVar:

ClinVar aggregate classification (germline): Uncertain significance (1 of 4 stars; one submission).

Conditions:
Hereditary cancer-predisposing syndrome. Also called: Tumor predisposition; Hereditary Cancer Syndrome; Neoplastic Syndromes, Hereditary; Hereditary neoplastic syndrome. Identifiers: Orphanet 140162, MedGen C0027672, MeSH D009386, MONDO:0015356.

gnomAD v4.1: 1 of 1,613,838 alleles (0.000062%); highest among the groups gnomAD compares: Admixed American, 0.0017%; no homozygotes.

Submission:

Ambry Genetics
Classification: Uncertain significance for Hereditary cancer-predisposing syndrome. Last evaluated: 2019-10-11. Review status: criteria provided, single submitter. Criteria: Ambry Variant Classification Scheme 2023. Collection method: clinical testing. Allele origin: germline.
Comment: The p.G109E variant (also known as c.326G>A), located in coding exon 5 of the SDHC gene, results from a G to A substitution at nucleotide position 326. The glycine at codon 109 is replaced by glutamic acid, an amino acid with similar properties. This amino acid position is well conserved in available vertebrate species. In addition, this alteration is predicted to be deleterious by in silico analysis. Since supporting evidence is limited at this time, the clinical significance of this alteration remains unclear.

NM_003001.5(SDHC):c.326G>A (p.Gly109Glu)

Gene: SDHC (succinate dehydrogenase complex subunit C; plus strand). Cytogenetic location: 1q23.3.
Variant type: single nucleotide variant.
Coding change: c.326G>A on transcript NM_003001.5 (MANE Select); coding-DNA position 326, G replaced by A.
Protein change: p.Gly109Glu; replaces glycine 109 with glutamic acid.
Molecular consequence: missense variant. On other transcripts: non-coding transcript variant (1), intron variant (3).
Genome position (GRCh38, 1-based): chr1:161,356,761, G>A. VCF-style: chr1-161356761-G-A. GRCh37 (hg19) VCF-style: chr1-161326551-G-A.
Other names: c.224G>A, p.Gly75Glu (NM_001035512.3); c.167G>A, p.Gly56Glu (NM_001035513.3); c.446G>A, p.Gly149Glu (NM_001407115.1); c.269G>A, p.Gly90Glu (NM_001407116.1); c.263G>A, p.Gly88Glu (NM_001407117.1); c.218G>A, p.Gly73Glu (NM_001407118.1); c.215G>A, p.Gly72Glu (NM_001407119.1, NM_001407120.1); c.242-5568G>A (NM_001035511.3); and 2 more; short protein forms G75E, G109E, G56E, G88E, G149E, G72E, G73E, G90E.
Identifiers: ClinVar variation 823368 (VCV000823368.5), dbSNP rs1571890248, ClinGen allele CA343456495.